The following is an entry in ClinVar:

NM_012193.4(FZD4):c.823G>A (p.Val275Ile)

Genes: FZD4 (frizzled class receptor 4; minus strand), PRSS23 (serine protease 23; plus strand). Cytogenetic location: 11q14.2.
Variant type: single nucleotide variant.
Coding change: c.823G>A on transcript NM_012193.4 (MANE Select); coding-DNA position 823, G replaced by A.
Protein change: p.Val275Ile; replaces valine 275 with isoleucine.
Molecular consequence: missense variant. On other transcripts: non-coding transcript variant (2).
Genome position (GRCh38, 1-based): chr11:86,951,933, C>T on the plus strand (G>A on the coding strand, the complement: FZD4 is on the minus strand). VCF-style: chr11-86951933-C-T. GRCh37 (hg19) VCF-style: chr11-86662975-C-T.
Other names: short protein forms V275I.
Identifiers: ClinVar variation 1521948 (VCV001521948.6), dbSNP rs1296102273, ClinGen allele CA382014128.

ClinVar aggregate classification (germline): Uncertain significance (1 of 4 stars; one submission).

gnomAD v4.1: 2 of 1,613,898 alleles (0.00012%); highest among the groups gnomAD compares: Admixed American, 0.0017%; no homozygotes.

Submission:

Labcorp Genetics (formerly Invitae), Labcorp
Classification: Uncertain significance. Last evaluated: 2023-07-17. Review status: criteria provided, single submitter. Criteria: Invitae Variant Classification Sherloc (09022015). Collection method: clinical testing. Allele origin: germline.
Comment: ClinVar contains an entry for this variant (Variation ID: 1521948). In summary, the available evidence is currently insufficient to determine the role of this variant in disease. Therefore, it has been classified as a Variant of Uncertain Significance. Advanced modeling of protein sequence and biophysical properties (such as structural, functional, and spatial information, amino acid conservation, physicochemical variation, residue mobility, and thermodynamic stability) performed at Invitae indicates that this missense variant is not expected to disrupt FZD4 protein function. This variant has not been reported in the literature in individuals affected with FZD4-related conditions. This variant is not present in population databases (gnomAD no frequency). This sequence change replaces valine, which is neutral and non-polar, with isoleucine, which is neutral and non-polar, at codon 275 of the FZD4 protein (p.Val275Ile).